The following is an entry in ClinVar:

ClinVar aggregate classification (germline): Likely pathogenic (1 of 4 stars; one submission).

Submission:

Labcorp Genetics (formerly Invitae), Labcorp
Classification: Likely pathogenic. Last evaluated: 2025-10-03. Review status: criteria provided, single submitter. Criteria: Invitae Variant Classification Sherloc (09022015). Collection method: clinical testing. Allele origin: germline.
Comment: This sequence change affects a donor splice site in intron 9 of the COQ8B gene. It is expected to disrupt RNA splicing. Variants that disrupt the donor or acceptor splice site typically lead to a loss of protein function (PMID: 16199547), and loss-of-function variants in COQ8B are known to be pathogenic (PMID: 24270420). This variant is not present in population databases (gnomAD no frequency). This variant has not been reported in the literature in individuals affected with COQ8B-related conditions. Algorithms developed to predict the effect of sequence changes on RNA splicing suggest that this variant may disrupt the consensus splice site. In summary, the currently available evidence indicates that the variant is pathogenic, but additional data are needed to prove that conclusively. Therefore, this variant has been classified as Likely Pathogenic.

Literature cited by the submitters: PubMed 16199547; PubMed 24270420.

NM_024876.4(COQ8B):c.799+1G>A

Gene: COQ8B (coenzyme Q8B; minus strand). Cytogenetic location: 19q13.2.
Variant type: single nucleotide variant.
Coding change: c.799+1G>A on transcript NM_024876.4 (MANE Select); the canonical splice donor site of the intron after coding-DNA position 799, G replaced by A.
Molecular consequence: splice donor variant.
Genome position (GRCh38, 1-based): chr19:40,703,540, C>T on the plus strand (G>A on the coding strand, the complement: COQ8B is on the minus strand). VCF-style: chr19-40703540-C-T. GRCh37 (hg19) VCF-style: chr19-41209445-C-T.
Other names: c.676+1G>A (NM_001142555.3).
Identifiers: ClinVar variation 4750427 (VCV004750427.1).